The following is an entry in ClinVar:

NM_014875.3(KIF14):c.172G>C (p.Gly58Arg)

Gene: KIF14 (kinesin family member 14; minus strand). Cytogenetic location: 1q32.1.
Variant type: single nucleotide variant.
Coding change: c.172G>C on transcript NM_014875.3 (MANE Select); coding-DNA position 172, G replaced by C.
Protein change: p.Gly58Arg; replaces glycine 58 with arginine.
Molecular consequence: missense variant. On other transcripts: 5 prime UTR variant (1).
Genome position (GRCh38, 1-based): chr1:200,618,552, C>G on the plus strand (G>C on the coding strand, the complement: KIF14 is on the minus strand). VCF-style: chr1-200618552-C-G. GRCh37 (hg19) VCF-style: chr1-200587680-C-G.
Other names: c.172G>C (NM_014875.2); c.-1214G>C (NM_001305792.1); short protein forms G58R.
Identifiers: ClinVar variation 1434603 (VCV001434603.7), dbSNP rs138352315, ClinGen allele CA1318073.

ClinVar aggregate classification (germline): Uncertain significance. Review status: criteria provided, multiple submitters, no conflicts (2 of 4 stars). 3 submissions from 3 submitters: Uncertain significance (3). Last evaluated 2025-07-29.

Conditions:
KIF14-related disorder. Also called: KIF14-related condition.
Inborn genetic diseases. Identifiers: MedGen C0950123, MeSH D030342.

Allele frequency attached by ClinVar (database versions not stated): ExAC 0.00029; 1000 Genomes Project 0.00040; TOPMed 0.00053; ESP Exome Variant Server 0.00054; gnomAD 0.00056 and 0.00059; 1000 Genomes Project 30x 0.00062.
gnomAD v4.1: 1,026 of 1,614,134 alleles (0.064%); highest among the groups gnomAD compares: Non-Finnish European, 0.079%; no homozygotes.

Submissions (3):

PreventionGenetics, part of Exact Sciences
Classification: Uncertain significance for KIF14-related condition. Last evaluated: 2025-07-29. Review status: criteria provided, single submitter. Criteria: ACMG Guidelines, 2015. Collection method: clinical testing. Allele origin: germline.
Comment: The KIF14 c.172G>C variant is predicted to result in the amino acid substitution p.Gly58Arg. To our knowledge, this variant has not been reported in the literature. This variant is reported in 0.065% of alleles in individuals of Latino descent in gnomAD. Although we suspect that this variant may be benign, at this time, the clinical significance of this variant is uncertain due to the absence of conclusive functional and genetic evidence.

Labcorp Genetics (formerly Invitae), Labcorp
Classification: Uncertain significance. Last evaluated: 2025-01-16. Review status: criteria provided, single submitter. Criteria: Invitae Variant Classification Sherloc (09022015). Collection method: clinical testing. Allele origin: germline.
Comment: This sequence change replaces glycine, which is neutral and non-polar, with arginine, which is basic and polar, at codon 58 of the KIF14 protein (p.Gly58Arg). This variant is present in population databases (rs138352315, gnomAD 0.06%). This variant has not been reported in the literature in individuals affected with KIF14-related conditions. ClinVar contains an entry for this variant (Variation ID: 1434603). An algorithm developed to predict the effect of missense changes on protein structure and function outputs the following: PolyPhen-2: "Benign". The arginine amino acid residue is found in multiple mammalian species, which suggests that this missense change does not adversely affect protein function. In summary, the available evidence is currently insufficient to determine the role of this variant in disease. Therefore, it has been classified as a Variant of Uncertain Significance.

Ambry Genetics
Classification: Uncertain significance for Inborn genetic diseases. Last evaluated: 2021-08-02. Review status: criteria provided, single submitter. Criteria: Ambry Variant Classification Scheme 2023. Collection method: clinical testing. Allele origin: germline.